The following is an entry in ClinVar:

NM_020312.4(COQ9):c.79C>T (p.Arg27Cys)

Gene: COQ9 (coenzyme Q9; plus strand). Cytogenetic location: 16q21.
Variant type: single nucleotide variant.
Coding change: c.79C>T on transcript NM_020312.4 (MANE Select); coding-DNA position 79, C replaced by T.
Protein change: p.Arg27Cys; replaces arginine 27 with cysteine.
Molecular consequence: missense variant.
Genome position (GRCh38, 1-based): chr16:57,451,045, C>T. VCF-style: chr16-57451045-C-T. GRCh37 (hg19) VCF-style: chr16-57484957-C-T.
Other names: short protein forms R27C.
Identifiers: ClinVar variation 1494377 (VCV001494377.3), dbSNP rs140264612, ClinGen allele CA8076090.
Genomic context (GRCh38, chr16:57,451,045, plus strand): 5'-GGTCTGAAAGGGTCTTCTCTGTTGAATGTCCCTGACTGACCAGTTTCTGTTTCAGTGGCC[C>T]GTTGCCGACAAGCCCTGGTGCCGCGTGCCTTCCATGCTTCAGCTGTGGGGCTAAGGTCTT-3'
Protein context (NP_064708.1, residues 17-37): LLQLRCLPVA[Arg27Cys]CRQALVPRAF

ClinVar aggregate classification (germline): Uncertain significance (1 of 4 stars; one submission).

gnomAD v4.1: 18 of 1,613,780 alleles (0.0011%); highest among the groups gnomAD compares: African/African-American, 0.0067%; no homozygotes.

Submission:

Labcorp Genetics (formerly Invitae), Labcorp
Classification: Uncertain significance. Last evaluated: 2022-07-03. Review status: criteria provided, single submitter. Criteria: Invitae Variant Classification Sherloc (09022015). Collection method: clinical testing. Allele origin: germline.
Comment: This sequence change replaces arginine, which is basic and polar, with cysteine, which is neutral and slightly polar, at codon 27 of the COQ9 protein (p.Arg27Cys). This variant is present in population databases (rs140264612, gnomAD 0.009%). This variant has not been reported in the literature in individuals affected with COQ9-related conditions. ClinVar contains an entry for this variant (Variation ID: 1494377). Algorithms developed to predict the effect of missense changes on protein structure and function are either unavailable or do not agree on the potential impact of this missense change (SIFT: "Deleterious"; PolyPhen-2: "Benign"; Align-GVGD: "Class C0"). In summary, the available evidence is currently insufficient to determine the role of this variant in disease. Therefore, it has been classified as a Variant of Uncertain Significance.